The following is an entry in ClinVar:

NM_018191.4(RCBTB1):c.1036C>G (p.Leu346Val)

Gene: RCBTB1 (RCC1 and BTB domain containing protein 1; minus strand). Cytogenetic location: 13q14.2.
Variant type: single nucleotide variant.
Coding change: c.1036C>G on transcript NM_018191.4 (MANE Select); coding-DNA position 1036, C replaced by G.
Protein change: p.Leu346Val; replaces leucine 346 with valine.
Molecular consequence: missense variant. On other transcripts: non-coding transcript variant (2).
Genome position (GRCh38, 1-based): chr13:49,549,467, G>C on the plus strand (C>G on the coding strand, the complement: RCBTB1 is on the minus strand). VCF-style: chr13-49549467-G-C. GRCh37 (hg19) VCF-style: chr13-50123603-G-C.
Other names: c.1036C>G, p.Leu346Val (NM_001352500.2, NM_001352501.2, NM_001352502.2 and 3 more transcripts); c.457C>G, p.Leu153Val (NM_001352506.2); short protein forms L153V, L346V.
Identifiers: ClinVar variation 1487687 (VCV001487687.6), dbSNP rs752050046, ClinGen allele CA388189228.

ClinVar aggregate classification (germline): Uncertain significance (1 of 4 stars; one submission).

Submission:

Labcorp Genetics (formerly Invitae), Labcorp
Classification: Uncertain significance. Last evaluated: 2022-10-24. Review status: criteria provided, single submitter. Criteria: Invitae Variant Classification Sherloc (09022015). Collection method: clinical testing. Allele origin: germline.
Comment: In summary, the available evidence is currently insufficient to determine the role of this variant in disease. Therefore, it has been classified as a Variant of Uncertain Significance. Advanced modeling of protein sequence and biophysical properties (such as structural, functional, and spatial information, amino acid conservation, physicochemical variation, residue mobility, and thermodynamic stability) performed at Invitae indicates that this missense variant is not expected to disrupt RCBTB1 protein function. ClinVar contains an entry for this variant (Variation ID: 1487687). This variant has not been reported in the literature in individuals affected with RCBTB1-related conditions. This variant is not present in population databases (gnomAD no frequency). This sequence change replaces leucine, which is neutral and non-polar, with valine, which is neutral and non-polar, at codon 346 of the RCBTB1 protein (p.Leu346Val).